The following is an entry in ClinVar:

ClinVar aggregate classification (germline): Pathogenic (1 of 4 stars; one submission).

Submission:

Labcorp Genetics (formerly Invitae), Labcorp
Classification: Pathogenic. Last evaluated: 2021-04-23. Review status: criteria provided, single submitter. Criteria: Invitae Variant Classification Sherloc (09022015). Collection method: clinical testing. Allele origin: germline.
Comment: For these reasons, this variant has been classified as Pathogenic. This variant has not been reported in the literature in individuals with AP3B2-related conditions. This variant is not present in population databases (ExAC no frequency). This sequence change creates a premature translational stop signal (p.Glu276*) in the AP3B2 gene. It is expected to result in an absent or disrupted protein product. Loss-of-function variants in AP3B2 are known to be pathogenic (PMID: 27889060).

Literature cited by the submitters: PubMed 27889060.

NM_001278512.2(AP3B2):c.826G>T (p.Glu276Ter)

Genes: AP3B2 (adaptor related protein complex 3 subunit beta 2; minus strand), CPEB1-AS1 (CPEB1 antisense RNA 1; plus strand). Cytogenetic location: 15q25.2.
Variant type: single nucleotide variant.
Coding change: c.826G>T on transcript NM_001278512.2 (MANE Select); coding-DNA position 826, G replaced by T.
Protein change: p.Glu276Ter; replaces glutamic acid 276 with a stop codon.
Molecular consequence: nonsense.
Genome position (GRCh38, 1-based): chr15:82,680,701, C>A on the plus strand (G>T on the coding strand, the complement: AP3B2 is on the minus strand). VCF-style: chr15-82680701-C-A. GRCh37 (hg19) VCF-style: chr15-83349453-C-A.
Other names: c.730G>T, p.Glu244Ter (NM_001278511.2); c.826G>T, p.Glu276Ter (NM_004644.5); short protein forms E276*, E244*.
Identifiers: ClinVar variation 1457065 (VCV001457065.6), dbSNP rs1486529587, ClinGen allele CA393295358.